The following is an entry in ClinVar:

ClinVar aggregate classification (germline): Uncertain significance. Review status: criteria provided, multiple submitters, no conflicts (2 of 4 stars). 3 submissions from 3 submitters: Uncertain significance (3). Last evaluated 2026-03-03.

Conditions:
TTN-related disorder. Also called: TTN-related condition; TTN-related disease; TTN-related disorders.

Allele frequency attached by ClinVar (database versions not stated): ExAC 0.00001; gnomAD exomes 0.00001; gnomAD 0.00004; TOPMed 0.00004; ESP Exome Variant Server 0.00008.
gnomAD v4.1: 14 of 1,613,486 alleles (0.00087%); highest among the groups gnomAD compares: Middle Eastern, 0.016%; no homozygotes.

Submissions (3):

PreventionGenetics, part of Exact Sciences
Classification: Uncertain significance for TTN-related condition. Last evaluated: 2026-03-03. Review status: criteria provided, single submitter. Criteria: ACMG Guidelines, 2015. Collection method: clinical testing. Allele origin: germline.
Comment: The TTN c.80323G>A variant is predicted to result in the amino acid substitution p.Val26775Met. This variant has been reported in an individual with left ventricular noncompaction cardiomyopathy (Table S2, Mazzarotto et al. 2021. PubMed ID: 33500567). This variant is reported in 0.0041% of alleles in individuals of African descent in gnomAD. At this time, the clinical significance of this variant is uncertain due to the absence of conclusive functional and genetic evidence.

Revvity Omics, Revvity
Classification: Uncertain significance. Last evaluated: 2023-09-06. Review status: criteria provided, single submitter. Criteria: ACMG Guidelines, 2015. Collection method: clinical testing. Allele origin: germline.

Laboratory for Molecular Medicine, Mass General Brigham Personalized Medicine
Classification: Uncertain significance. Last evaluated: 2012-11-19. Review status: criteria provided, single submitter. Criteria: LMM Criteria. Collection method: clinical testing. Allele origin: germline. Observed: 1 variant allele.
Comment: The Val24207Met variant in TTN has been identified in 1/3994 African American ch romosomes from a broad population by the NHLBI Exome Sequencing Project. Computational analyses (biochemical amino acid prop erties, conservation, AlignGVGD, PolyPhen2, and SIFT) do not provide strong supp ort for or against an impact to the protein. Additional information is needed to fully assess the clinical significance of the Val24207Met variant.

NM_001267550.2(TTN):c.80323G>A (p.Val26775Met)

Genes: TTN (titin; minus strand), TTN-AS1 (TTN antisense RNA 1; plus strand). Cytogenetic location: 2q31.2.
Variant type: single nucleotide variant.
Coding change: c.80323G>A on transcript NM_001267550.2 (MANE Select); coding-DNA position 80323, G replaced by A.
Protein change: p.Val26775Met; replaces valine 26775 with methionine.
Molecular consequence: missense variant.
Genome position (GRCh38, 1-based): chr2:178,565,809, C>T on the plus strand (G>A on the coding strand, the complement: TTN is on the minus strand). VCF-style: chr2-178565809-C-T. GRCh37 (hg19) VCF-style: chr2-179430536-C-T.
Other names: c.72619G>A, p.Val24207Met (NM_133378.4); c.75400G>A, p.Val25134Met (NM_001256850.1); c.53128G>A, p.Val17710Met (NM_003319.4); c.53503G>A, p.Val17835Met (NM_133432.3); c.53704G>A, p.Val17902Met (NM_133437.4); short protein forms V26775M, V24207M, V17902M, V25134M, V17835M, V17710M.
Identifiers: ClinVar variation 47385 (VCV000047385.7), dbSNP rs370589806, ClinGen allele CA140852.